The following is an entry in ClinVar:

ClinVar aggregate classification (germline): Uncertain significance (1 of 4 stars; one submission).

Conditions:
Renal cell carcinoma. Identifiers: Orphanet 217071, MedGen C0007134, MeSH D002292, MONDO:0005086, HP:0005584.

Submission:

Labcorp Genetics (formerly Invitae), Labcorp
Classification: Uncertain significance for Renal cell carcinoma. Last evaluated: 2023-08-02. Review status: criteria provided, single submitter. Criteria: Invitae Variant Classification Sherloc (09022015). Collection method: clinical testing. Allele origin: germline.
Comment: In summary, the available evidence is currently insufficient to determine the role of this variant in disease. Therefore, it has been classified as a Variant of Uncertain Significance. Experimental studies and prediction algorithms are not available or were not evaluated, and the functional significance of this variant is currently unknown. This variant has not been reported in the literature in individuals affected with MET-related conditions. This variant is not present in population databases (gnomAD no frequency). This sequence change creates a premature translational stop signal (p.Arg1166Glnfs*13) in the MET gene. It is expected to result in an absent or disrupted protein product. However, the current clinical and genetic evidence is not sufficient to establish whether loss-of-function variants in MET cause disease.

NM_000245.4(MET):c.3443del (p.Arg1148fs)

Gene: MET (MET proto-oncogene, receptor tyrosine kinase; plus strand). Cytogenetic location: 7q31.2.
Variant type: Deletion.
Coding change: c.3443del on transcript NM_000245.4 (MANE Select); coding-DNA position 3443, one base deleted (G; older notation c.3443delG).
Protein change: p.Arg1148fs; shifts the reading frame from arginine 1148.
Molecular consequence: frameshift variant.
Genome position (GRCh38, 1-based): chr7:116,778,878, G deleted. VCF-style (leftmost placement, unchanged base first): chr7-116778877-CG-C. GRCh37 (hg19) VCF-style: chr7-116418931-CG-C.
Other names: c.3497del, p.Arg1166fs (NM_001127500.3); c.2153del, p.Arg718fs (NM_001324402.2); short protein forms R718fs, R1166fs, R1148fs.
Identifiers: ClinVar variation 2749200 (VCV002749200.3), dbSNP rs2485821959, ClinGen allele CA2697557565.